The following is an entry in ClinVar:

ClinVar aggregate classification (germline): Uncertain significance (1 of 4 stars; one submission).

Conditions:
Dilated cardiomyopathy 1W (CMD1W). Identifiers: Orphanet 154, MedGen C1969639, MONDO:0012667, OMIM 611407.

Submission:

Labcorp Genetics (formerly Invitae), Labcorp
Classification: Uncertain significance for Dilated cardiomyopathy 1W. Last evaluated: 2019-06-18. Review status: criteria provided, single submitter. Criteria: Invitae Variant Classification Sherloc (09022015). Collection method: clinical testing. Allele origin: germline.
Comment: This variant results in a copy number gain of the genomic region encompassing exons 20-22 of the VCL gene. The 5' boundary is likely confined to intron 19. The 3' end of this event is unknown as it extends beyond the assayed region for this gene and therefore may encompass additional genes. As the precise location of this event is unknown, it may be in tandem or it may be located elsewhere in the genome. This variant has not been reported in the literature in individuals with VCL-related conditions. In summary, the available evidence is currently insufficient to determine the role of this variant in disease. Therefore, it has been classified as a Variant of Uncertain Significance.

NC_000010.11:g.(?_74114174)_(74118179_?)dup

Gene: VCL (vinculin; plus strand). Cytogenetic location: 10q22.2.
Variant type: Duplication.
Identifiers: ClinVar variation 832573 (VCV000832573.6).